The following is an entry in ClinVar:

NM_001113378.2(FANCI):c.1708G>C (p.Asp570His)

Gene: FANCI (FA complementation group I; plus strand). Cytogenetic location: 15q26.1.
Variant type: single nucleotide variant.
Coding change: c.1708G>C on transcript NM_001113378.2 (MANE Select); coding-DNA position 1708, G replaced by C.
Protein change: p.Asp570His; replaces aspartic acid 570 with histidine.
Molecular consequence: missense variant.
Genome position (GRCh38, 1-based): chr15:89,285,105, G>C. VCF-style: chr15-89285105-G-C. GRCh37 (hg19) VCF-style: chr15-89828336-G-C.
Other names: c.1429G>C, p.Asp477His (NM_001376910.1); c.1708G>C, p.Asp570His (NM_001376911.1, NM_018193.3); short protein forms D477H, D570H.
Identifiers: ClinVar variation 1053040 (VCV001053040.8), dbSNP rs2053765523, ClinGen allele CA393745637.

ClinVar aggregate classification (germline): Uncertain significance (1 of 4 stars; one submission).

Conditions:
Fanconi anemia (FA). Also called: Fanconi's anemia. Identifiers: Orphanet 84, MedGen C0015625, MeSH D005199, MONDO:0019391.

Submission:

Labcorp Genetics (formerly Invitae), Labcorp
Classification: Uncertain significance for Fanconi anemia. Last evaluated: 2020-02-17. Review status: criteria provided, single submitter. Criteria: Invitae Variant Classification Sherloc (09022015). Collection method: clinical testing. Allele origin: germline.
Comment: This variant has not been reported in the literature in individuals with FANCI-related conditions. Algorithms developed to predict the effect of missense changes on protein structure and function are either unavailable or do not agree on the potential impact of this missense change (SIFT: "Deleterious"; PolyPhen-2: "Probably Damaging"; Align-GVGD: "Class C0"). In summary, the available evidence is currently insufficient to determine the role of this variant in disease. Therefore, it has been classified as a Variant of Uncertain Significance. This sequence change replaces aspartic acid with histidine at codon 570 of the FANCI protein (p.Asp570His). The aspartic acid residue is highly conserved and there is a moderate physicochemical difference between aspartic acid and histidine. This variant is not present in population databases (ExAC no frequency).